The following is an entry in ClinVar:

ClinVar aggregate classification (germline): Likely benign (0 of 4 stars; one submission).

Conditions:
UGT1A9-related disorder. Also called: UGT1A9-related condition.

Allele frequency attached by ClinVar (database versions not stated): gnomAD exomes 0.00067; gnomAD 0.00088; TOPMed 0.00098; ESP Exome Variant Server 0.00100; ExAC 0.00121; 1000 Genomes Project 0.00200; 1000 Genomes Project 30x 0.00250.
gnomAD v4.1: 1,134 of 1,614,202 alleles (0.07%); highest among the groups gnomAD compares: Admixed American, 0.24%; 3 homozygotes.

Submission:

PreventionGenetics, part of Exact Sciences
Classification: Likely benign for UGT1A9-related condition. Last evaluated: 2019-05-14. Review status: no assertion criteria provided. Collection method: clinical testing. Allele origin: germline.
Comment: This variant is classified as likely benign based on ACMG/AMP sequence variant interpretation guidelines (Richards et al. 2015 PMID: 25741868, with internal and published modifications).

NM_021027.3(UGT1A9):c.423T>G (p.Ser141=)

Genes: UGT1A (UDP glucuronosyltransferase family 1 member A complex locus; plus strand), UGT1A10 (UDP glucuronosyltransferase family 1 member A10; plus strand), UGT1A8 (UDP glucuronosyltransferase family 1 member A8; plus strand), UGT1A9 (UDP glucuronosyltransferase family 1 member A9; plus strand). Cytogenetic location: 2q37.1.
Variant type: single nucleotide variant.
Coding change: c.423T>G on transcript NM_021027.3 (MANE Select); coding-DNA position 423, T replaced by G.
Protein change: p.Ser141=; no amino-acid change (serine 141 retained).
Molecular consequence: synonymous variant. On other transcripts: intron variant (2).
Genome position (GRCh38, 1-based): chr2:233,672,357, T>G. VCF-style: chr2-233672357-T-G. GRCh37 (hg19) VCF-style: chr2-234581003-T-G.
Other names: c.855+53795T>G (NM_019076.5); c.855+34980T>G (NM_019075.4).
Identifiers: ClinVar variation 3041957 (VCV003041957.2), dbSNP rs138301590, ClinGen allele CA2178044.
Genomic context (GRCh38, chr2:233,672,357, plus strand): 5'-TTCAAATTGCAGGAGTTTGTTTAAAGACAAAAAATTAGTAGAATACTTAAAGGAGAGTTC[T>G]TTTGATGCAGTGTTTCTCGATCCTTTTGATAACTGTGGCTTAATTGTTGCCAAATATTTC-3'
Protein context (NP_066307.1, residues 131-151): KKLVEYLKES[Ser141=]FDAVFLDPFD